The following is an entry in ClinVar:

NM_001110556.2(FLNA):c.2671A>G (p.Lys891Glu)

Gene: FLNA (filamin A; minus strand). Cytogenetic location: Xq28.
Variant type: single nucleotide variant.
Coding change: c.2671A>G on transcript NM_001110556.2 (MANE Select); coding-DNA position 2671, A replaced by G.
Protein change: p.Lys891Glu; replaces lysine 891 with glutamic acid.
Molecular consequence: missense variant.
Genome position (GRCh38, 1-based): chrX:154,362,134, T>C on the plus strand (A>G on the coding strand, the complement: FLNA is on the minus strand). VCF-style: chrX-154362134-T-C. GRCh37 (hg19) VCF-style: chrX-153590502-T-C.
Other names: c.2671A>G, p.Lys891Glu (NM_001456.4); short protein forms K891E.
Identifiers: ClinVar variation 1336440 (VCV001336440.7), dbSNP rs1459255199, ClinGen allele CA415233179.

ClinVar aggregate classification (germline): Uncertain significance. Review status: criteria provided, multiple submitters, no conflicts (2 of 4 stars). 3 submissions from 3 submitters: Uncertain significance (3). Last evaluated 2024-08-23.

Conditions:
Frontometaphyseal dysplasia (FMD1). Identifiers: Orphanet 1826, MedGen C0265293, MONDO:0015942.
Oto-palato-digital syndrome, type II (OPD2). Also called: FACIOPALATOOSSEOUS SYNDROME; OPD II SYNDROME; Otopalatodigital Syndrome, Type II; Otopalatodigital Syndrome Type 2 (FLNA-OPD2). Identifiers: Orphanet 669, Orphanet 90652, MedGen C1844696, MONDO:0010571, OMIM 304120.
Heterotopia, periventricular, X-linked dominant (PVNH1). Also called: PERIVENTRICULAR NODULAR HETEROTOPIA 4; HETEROTOPIA, PERIVENTRICULAR, 1; PERIVENTRICULAR NODULAR HETEROTOPIA 1; X-linked periventricular heterotopia. Identifiers: Orphanet 2149, Orphanet 82004, MedGen C1848213, MONDO:0010233, OMIM 300049.
Melnick-Needles syndrome (MNS). Also called: MELNICK-NEEDLES OSTEODYSPLASTY; OSTEODYSPLASTY OF MELNICK AND NEEDLES; Melnick-Needles Syndrome (FLNA-MNS). Identifiers: Orphanet 2484, MedGen C0025237, MONDO:0010650, OMIM 309350.

Allele frequency attached by ClinVar (database versions not stated): TOPMed below 0.00001; gnomAD 0.00001; gnomAD exomes 0.00001.
gnomAD v4.1: 11 of 1,209,875 alleles (0.00091%); highest among the groups gnomAD compares: Non-Finnish European, 0.0012%; no homozygotes.

Submissions (3):

Labcorp Genetics (formerly Invitae), Labcorp
Classification: Uncertain significance for Oto-palato-digital syndrome, type II; Heterotopia, periventricular, X-linked dominant; Frontometaphyseal dysplasia; Melnick-Needles syndrome. Last evaluated: 2024-08-23. Review status: criteria provided, single submitter. Criteria: Invitae Variant Classification Sherloc (09022015). Collection method: clinical testing. Allele origin: germline.
Comment: This sequence change replaces lysine, which is basic and polar, with glutamic acid, which is acidic and polar, at codon 891 of the FLNA protein (p.Lys891Glu). This variant is not present in population databases (gnomAD no frequency). This variant has not been reported in the literature in individuals affected with FLNA-related conditions. ClinVar contains an entry for this variant (Variation ID: 1336440). Invitae Evidence Modeling of protein sequence and biophysical properties (such as structural, functional, and spatial information, amino acid conservation, physicochemical variation, residue mobility, and thermodynamic stability) indicates that this missense variant is not expected to disrupt FLNA protein function with a negative predictive value of 95%. In summary, the available evidence is currently insufficient to determine the role of this variant in disease. Therefore, it has been classified as a Variant of Uncertain Significance.

Blueprint Genetics
Classification: Uncertain significance. Last evaluated: 2023-10-27. Review status: criteria provided, single submitter. Criteria: ACMG Guidelines, 2015. Collection method: clinical testing. Allele origin: germline.

Genetic Services Laboratory, University of Chicago
Classification: Uncertain significance. Last evaluated: 2017-12-20. Review status: criteria provided, single submitter. Criteria: ACMG Guidelines, 2015. Collection method: clinical testing. Allele origin: germline. Affected: no.